The following is an entry in ClinVar:

NM_001040716.2(PC):c.1352G>A (p.Arg451His)

Gene: PC (pyruvate carboxylase; minus strand). Cytogenetic location: 11q13.2.
Variant type: single nucleotide variant.
Coding change: c.1352G>A on transcript NM_001040716.2 (MANE Select); coding-DNA position 1352, G replaced by A.
Protein change: p.Arg451His; replaces arginine 451 with histidine.
Molecular consequence: missense variant.
Genome position (GRCh38, 1-based): chr11:66,863,790, C>T on the plus strand (G>A on the coding strand, the complement: PC is on the minus strand). VCF-style: chr11-66863790-C-T. GRCh37 (hg19) VCF-style: chr11-66631261-C-T.
Other names: c.1352G>A, p.Arg451His (NM_000920.4, NM_022172.3); short protein forms R451H.
Identifiers: ClinVar variation 1897979 (VCV001897979.5), dbSNP rs1419532573, ClinGen allele CA381497811.

ClinVar aggregate classification (germline): Uncertain significance (1 of 4 stars; one submission).

Conditions:
Pyruvate carboxylase deficiency. Also called: Pyruvate Carboxylase Deficiency Disease; LEIGH NECROTIZING ENCEPHALOPATHY DUE TO PYRUVATE CARBOXYLASE DEFICIENCY; LEIGH SYNDROME DUE TO PYRUVATE CARBOXYLASE DEFICIENCY; PC DEFICIENCY; ATAXIA WITH LACTIC ACIDOSIS II. Identifiers: Orphanet 3008, MedGen C0034341, MONDO:0009949, OMIM 266150.

Allele frequency attached by ClinVar (database versions not stated): gnomAD 0.00001.
gnomAD v4.1: 1 of 1,611,088 alleles (0.000062%); highest among the groups gnomAD compares: African/African-American, 0.0013%; no homozygotes.

Submission:

Labcorp Genetics (formerly Invitae), Labcorp
Classification: Uncertain significance for Pyruvate carboxylase deficiency. Last evaluated: 2022-02-21. Review status: criteria provided, single submitter. Criteria: Invitae Variant Classification Sherloc (09022015). Collection method: clinical testing. Allele origin: germline.
Comment: This variant is present in population databases (no rsID available, gnomAD 0.01%). In summary, the available evidence is currently insufficient to determine the role of this variant in disease. Therefore, it has been classified as a Variant of Uncertain Significance. Algorithms developed to predict the effect of missense changes on protein structure and function are either unavailable or do not agree on the potential impact of this missense change (SIFT: "Deleterious"; PolyPhen-2: "Benign"; Align-GVGD: "Class C0"). This variant has not been reported in the literature in individuals affected with PC-related conditions. This sequence change replaces arginine, which is basic and polar, with histidine, which is basic and polar, at codon 451 of the PC protein (p.Arg451His).